The following is an entry in ClinVar:

ClinVar aggregate classification (germline): Uncertain significance (1 of 4 stars; one submission).

Allele frequency attached by ClinVar (database versions not stated): gnomAD exomes below 0.00001; gnomAD 0.00001; TOPMed 0.00001.
gnomAD v4.1: 6 of 1,607,998 alleles (0.00037%); highest among the groups gnomAD compares: African/African-American, 0.0013%; no homozygotes.

Submission:

Ambry Genetics
Classification: Uncertain significance. Last evaluated: 2023-08-30. Review status: criteria provided, single submitter. Criteria: Ambry Variant Classification Scheme 2023. Collection method: clinical testing. Allele origin: germline.
Comment: The p.P176S variant (also known as c.526C>T), located in coding exon 3 of the MNDA gene, results from a C to T substitution at nucleotide position 526. The proline at codon 176 is replaced by serine, an amino acid with similar properties. This amino acid position is conserved. In addition, this alteration is predicted to be tolerated by in silico analysis. Since supporting evidence is limited at this time, the clinical significance of this alteration remains unclear.

NM_002432.3(MNDA):c.526C>T (p.Pro176Ser)

Gene: MNDA (myeloid cell nuclear differentiation antigen; plus strand). Cytogenetic location: 1q23.1.
Variant type: single nucleotide variant.
Coding change: c.526C>T on transcript NM_002432.3 (MANE Select); coding-DNA position 526, C replaced by T.
Protein change: p.Pro176Ser; replaces proline 176 with serine.
Molecular consequence: missense variant.
Genome position (GRCh38, 1-based): chr1:158,844,078, C>T. VCF-style: chr1-158844078-C-T. GRCh37 (hg19) VCF-style: chr1-158813868-C-T.
Other names: short protein forms P176S.
Identifiers: ClinVar variation 1746490 (VCV001746490.3), dbSNP rs1276619835, ClinGen allele CA343039377.